The following is an entry in ClinVar:

ClinVar aggregate classification (germline): Uncertain significance (1 of 4 stars; one submission).

gnomAD v4.1: 27 of 1,613,864 alleles (0.0017%); highest among the groups gnomAD compares: Non-Finnish European, 0.0022%; no homozygotes.

Submission:

Labcorp Genetics (formerly Invitae), Labcorp
Classification: Uncertain significance. Last evaluated: 2024-05-14. Review status: criteria provided, single submitter. Criteria: Invitae Variant Classification Sherloc (09022015). Collection method: clinical testing. Allele origin: germline.
Comment: This sequence change replaces serine, which is neutral and polar, with isoleucine, which is neutral and non-polar, at codon 480 of the RNF216 protein (p.Ser480Ile). This variant is present in population databases (rs774551921, gnomAD 0.004%). This variant has not been reported in the literature in individuals affected with RNF216-related conditions. An algorithm developed to predict the effect of missense changes on protein structure and function (PolyPhen-2) suggests that this variant is likely to be tolerated. In summary, the available evidence is currently insufficient to determine the role of this variant in disease. Therefore, it has been classified as a Variant of Uncertain Significance.

NM_207111.4(RNF216):c.1439G>T (p.Ser480Ile)

Gene: RNF216 (ring finger protein 216; minus strand). Cytogenetic location: 7p22.1.
Variant type: single nucleotide variant.
Coding change: c.1439G>T on transcript NM_207111.4 (MANE Select); coding-DNA position 1439, G replaced by T.
Protein change: p.Ser480Ile; replaces serine 480 with isoleucine.
Molecular consequence: missense variant.
Genome position (GRCh38, 1-based): chr7:5,725,389, C>A on the plus strand (G>T on the coding strand, the complement: RNF216 is on the minus strand). VCF-style: chr7-5725389-C-A. GRCh37 (hg19) VCF-style: chr7-5765020-C-A.
Other names: c.1268G>T, p.Ser423Ile (NM_001377156.1, NM_207116.3); short protein forms S423I, S480I.
Identifiers: ClinVar variation 3668521 (VCV003668521.2).
Genomic context (GRCh38, chr7:5,725,389, plus strand): 5'-TCAAACTTGAAATCAATGTAAGAATACTGGTTCATTTGTTTTCTCTTCTTCCTTTTTCCA[C>A]TGGTTTCTGGTGACAGCTCCTGCCATTTTTTAATGGCATCAGACAAGGCCTAAAAATTGA-3'
Protein context (NP_996994.1, residues 470-490): KKWQELSPET[Ser480Ile]GKRKKRKQMN